The following is an entry in ClinVar:

ClinVar aggregate classification (germline): Uncertain significance (1 of 4 stars; one submission).

gnomAD v4.1: 2 of 1,613,114 alleles (0.00012%); highest among the groups gnomAD compares: African/African-American, 0.0027%; no homozygotes.

Submission:

GeneDx
Classification: Uncertain significance. Last evaluated: 2026-04-14. Review status: criteria provided, single submitter. Criteria: GeneDx Variant Classification Process June 2021. Collection method: clinical testing. Allele origin: germline.
Comment: Not observed at significant frequency in large population cohorts (gnomAD); In silico analysis suggests that this missense variant does not alter protein structure/function; Has not been previously published as pathogenic or benign to our knowledge

NM_017636.4(TRPM4):c.383C>T (p.Pro128Leu)

Gene: TRPM4 (transient receptor potential cation channel subfamily M member 4; plus strand). Cytogenetic location: 19q13.33.
Variant type: single nucleotide variant.
Coding change: c.383C>T on transcript NM_017636.4 (MANE Select); coding-DNA position 383, C replaced by T.
Protein change: p.Pro128Leu; replaces proline 128 with leucine.
Molecular consequence: missense variant. On other transcripts: intron variant (4).
Genome position (GRCh38, 1-based): chr19:49,168,032, C>T. VCF-style: chr19-49168032-C-T. GRCh37 (hg19) VCF-style: chr19-49671289-C-T.
Other names: c.383C>T, p.Pro128Leu (NM_001195227.2); c.-1105-228C>T (NM_001321282.2); c.268-521C>T (NM_001321281.2); c.-74-228C>T (NM_001321283.2); c.-237-521C>T (NM_001321285.2); short protein forms P128L.
Identifiers: ClinVar variation 5036959 (VCV005036959.1).
Genomic context (GRCh38, chr19:49,168,032, plus strand): 5'-GCACATGGGGCTTCCGTGCCCCGAACCTGGTGGTGTCAGTGCTGGGGGGATCGGGGGGCC[C>T]CGTCCTCCAGACCTGGCTGCAGGACCTGCTGCGTCGTGGGCTGGTGCGGGCTGCCCAGAG-3'
Protein context (NP_060106.2, residues 118-138): VVSVLGGSGG[Pro128Leu]VLQTWLQDLL